The following is an entry in ClinVar:

ClinVar aggregate classification (germline): Uncertain significance (1 of 4 stars; one submission).

gnomAD v4.1: 1 of 1,614,030 alleles (0.000062%); highest among the groups gnomAD compares: Non-Finnish European, 0.000085%; no homozygotes.

Submission:

Athena Diagnostics
Classification: Uncertain significance. Last evaluated: 2025-05-19. Review status: criteria provided, single submitter. Criteria: Athena Diagnostics Criteria. Collection method: clinical testing. Allele origin: unknown.
Comment: Available data are insufficient to determine the clinical significance of the variant at this time. The frequency of this variant in the general population is uninformative in assessment of its pathogenicity. Polyphen and MutationTaster predict this amino acid change may be damaging to the protein.

NM_182961.4(SYNE1):c.355C>T (p.Pro119Ser)

Gene: SYNE1 (spectrin repeat containing nuclear envelope protein 1; minus strand). Cytogenetic location: 6q25.2.
Variant type: single nucleotide variant.
Coding change: c.355C>T on transcript NM_182961.4 (MANE Select); coding-DNA position 355, C replaced by T.
Protein change: p.Pro119Ser; replaces proline 119 with serine.
Molecular consequence: missense variant.
Genome position (GRCh38, 1-based): chr6:152,511,058, G>A on the plus strand (C>T on the coding strand, the complement: SYNE1 is on the minus strand). VCF-style: chr6-152511058-G-A. GRCh37 (hg19) VCF-style: chr6-152832193-G-A.
Other names: c.376C>T, p.Pro126Ser (NM_033071.5); short protein forms P119S, P126S.
Identifiers: ClinVar variation 4682270 (VCV004682270.1).
Genomic context (GRCh38, chr6:152,511,058, plus strand): 5'-TGTAGCACAATACCTGGAAATATAGAATAATGGTCCACATCAATCCAAGAACTATTGAGG[G>A]TCGGCCATCAGCTATATCGGTGGAGTTAATGTTGACTAATTTAATCTGTTTAAAAAAGAG-3'
Protein context (NP_892006.3, residues 109-129): INSTDIADGR[Pro119Ser]SIVLGLMWTI